The following is an entry in ClinVar:

ClinVar aggregate classification (germline): Likely pathogenic (1 of 4 stars; one submission).

Conditions:
Anemia, congenital dyserythropoietic, type 1a (CDAN1A). Also called: CDAN1-Related Congenital Dyserythropoietic Anemia; DYSERYTHROPOIETIC ANEMIA, CONGENITAL, TYPE Ia. Identifiers: MedGen C5574667, MONDO:0009135, OMIM 224120.

gnomAD v4.1: 15 of 1,614,044 alleles (0.00093%); highest among the groups gnomAD compares: African/African-American, 0.0013%; no homozygotes.

Submission:

Greenwood Genetic Center Diagnostic Laboratories, Greenwood Genetic Center
Classification: Likely pathogenic for Anemia, congenital dyserythropoietic, type 1a. Last evaluated: 2024-08-23. Review status: criteria provided, single submitter. Criteria: ACMG Guidelines, 2015. Collection method: clinical testing. Allele origin: germline. Affected: yes.
Comment: PM2, PM3, PP3, PS3_Supporting

NM_138477.4(CDAN1):c.3338T>C (p.Leu1113Pro)

Gene: CDAN1 (codanin 1; minus strand). Cytogenetic location: 15q15.2.
Variant type: single nucleotide variant.
Coding change: c.3338T>C on transcript NM_138477.4 (MANE Select); coding-DNA position 3338, T replaced by C.
Protein change: p.Leu1113Pro; replaces leucine 1113 with proline.
Molecular consequence: missense variant.
Genome position (GRCh38, 1-based): chr15:42,725,601, A>G on the plus strand (T>C on the coding strand, the complement: CDAN1 is on the minus strand). VCF-style: chr15-42725601-A-G. GRCh37 (hg19) VCF-style: chr15-43017799-A-G.
Other names: short protein forms L1113P.
Identifiers: ClinVar variation 3338545 (VCV003338545.2).